The following is an entry in ClinVar:

NM_194248.3(OTOF):c.32C>A (p.Ser11Ter)

Gene: OTOF (otoferlin; minus strand). Cytogenetic location: 2p23.3.
Variant type: single nucleotide variant.
Coding change: c.32C>A on transcript NM_194248.3 (MANE Select); coding-DNA position 32, C replaced by A.
Protein change: p.Ser11Ter; replaces serine 11 with a stop codon.
Molecular consequence: nonsense.
Genome position (GRCh38, 1-based): chr2:26,558,540, G>T on the plus strand (C>A on the coding strand, the complement: OTOF is on the minus strand). VCF-style: chr2-26558540-G-T. GRCh37 (hg19) VCF-style: chr2-26781408-G-T.
Other names: c.32C>A, p.Ser11Ter (NM_001287489.2); short protein forms S11*.
Identifiers: ClinVar variation 631857 (VCV000631857.10), dbSNP rs200972155, ClinGen allele CA1564847.

ClinVar aggregate classification (germline): Pathogenic/Likely pathogenic. Review status: criteria provided, multiple submitters, no conflicts (2 of 4 stars). 3 submissions from 3 submitters: Pathogenic (1); Likely pathogenic (1). 1 of the submissions does not count toward it. Last evaluated 2024-09-02.

Conditions:
OTOF-related disorder. Also called: OTOF-related condition.
Autosomal recessive nonsyndromic hearing loss 9. Also called: Deafness, autosomal recessive 9; OTOF-Related Hearing Loss; AUDITORY NEUROPATHY, AUTOSOMAL RECESSIVE, 1, TEMPERATURE-SENSITIVE; NEUROSENSORY NONSYNDROMIC RECESSIVE DEAFNESS 9. Identifiers: Orphanet 90636, MedGen C1832828, MONDO:0010986, OMIM 601071.

Allele frequency attached by ClinVar (database versions not stated): TOPMed 0.00002.

Submissions (3):

Blueprint Genetics
Classification: Likely pathogenic for OTOF-related disorders. Last evaluated: 2024-09-02. Review status: criteria provided, single submitter. Criteria: ACMG Guidelines, 2015. Collection method: clinical testing. Allele origin: germline. Affected: yes. Observed: 5 variant alleles.

Labcorp Genetics (formerly Invitae), Labcorp
Classification: Pathogenic. Last evaluated: 2024-03-25. Review status: criteria provided, single submitter. Criteria: Invitae Variant Classification Sherloc (09022015). Collection method: clinical testing. Allele origin: germline.
Comment: This sequence change creates a premature translational stop signal (p.Ser11*) in the OTOF gene. It is expected to result in an absent or disrupted protein product. Loss-of-function variants in OTOF are known to be pathogenic (PMID: 18381613, 19250381, 22575033). This variant is present in population databases (rs200972155, gnomAD 0.009%). This variant has not been reported in the literature in individuals affected with OTOF-related conditions. ClinVar contains an entry for this variant (Variation ID: 631857). Algorithms developed to predict the effect of sequence changes on RNA splicing suggest that this variant may disrupt the consensus splice site. For these reasons, this variant has been classified as Pathogenic.

Clinical Genetics Laboratory, University Hospital Schleswig-Holstein
Classification: Likely pathogenic for Autosomal recessive nonsyndromic hearing loss 9. Last evaluated: 2023-11-07. Review status: no assertion criteria provided. Collection method: clinical testing. Allele origin: germline. Affected: yes. Not counted in ClinVar's aggregate classification.

Literature cited by the submitters: PubMed 18381613 (cited by Labcorp Genetics (formerly Invitae), Labcorp); PubMed 19250381 (cited by Labcorp Genetics (formerly Invitae), Labcorp); PubMed 22575033 (cited by Labcorp Genetics (formerly Invitae), Labcorp).